The following is an entry in ClinVar:

ClinVar aggregate classification (germline): Uncertain significance (1 of 4 stars; one submission).

Allele frequency attached by ClinVar (database versions not stated): gnomAD exomes below 0.00001.
gnomAD v4.1: 1 of 1,614,078 alleles (0.000062%); highest among the groups gnomAD compares: Non-Finnish European, 0.000085%; no homozygotes.

Submission:

Labcorp Genetics (formerly Invitae), Labcorp
Classification: Uncertain significance. Last evaluated: 2022-03-14. Review status: criteria provided, single submitter. Criteria: Invitae Variant Classification Sherloc (09022015). Collection method: clinical testing. Allele origin: germline.
Comment: This sequence change replaces leucine, which is neutral and non-polar, with arginine, which is basic and polar, at codon 2159 of the NBAS protein (p.Leu2159Arg). This variant is not present in population databases (gnomAD no frequency). This variant has not been reported in the literature in individuals affected with NBAS-related conditions. Algorithms developed to predict the effect of missense changes on protein structure and function (SIFT, PolyPhen-2, Align-GVGD) all suggest that this variant is likely to be disruptive. In summary, the available evidence is currently insufficient to determine the role of this variant in disease. Therefore, it has been classified as a Variant of Uncertain Significance.

NM_015909.4(NBAS):c.6476T>G (p.Leu2159Arg)

Gene: NBAS (NBAS subunit of NRZ tethering complex; minus strand). Cytogenetic location: 2p24.3.
Variant type: single nucleotide variant.
Coding change: c.6476T>G on transcript NM_015909.4 (MANE Select); coding-DNA position 6476, T replaced by G.
Protein change: p.Leu2159Arg; replaces leucine 2159 with arginine.
Molecular consequence: missense variant. On other transcripts: non-coding transcript variant (1).
Genome position (GRCh38, 1-based): chr2:15,190,360, A>C on the plus strand (T>G on the coding strand, the complement: NBAS is on the minus strand). VCF-style: chr2-15190360-A-C. GRCh37 (hg19) VCF-style: chr2-15330484-A-C.
Other names: short protein forms L2159R.
Identifiers: ClinVar variation 2111821 (VCV002111821.4), dbSNP rs2528031267, ClinGen allele CA345920457.